The following is an entry in ClinVar:

NM_015662.3(IFT172):c.3679C>T (p.Gln1227Ter)

Genes: IFT172 (intraflagellar transport 172; minus strand), LOC126806173 (BRD4-independent group 4 enhancer GRCh37_chr2:27676057-27677256; plus strand). Cytogenetic location: 2p23.3.
Variant type: single nucleotide variant.
Coding change: c.3679C>T on transcript NM_015662.3 (MANE Select); coding-DNA position 3679, C replaced by T.
Protein change: p.Gln1227Ter; replaces glutamine 1227 with a stop codon.
Molecular consequence: nonsense.
Genome position (GRCh38, 1-based): chr2:27,454,014, G>A on the plus strand (C>T on the coding strand, the complement: IFT172 is on the minus strand). VCF-style: chr2-27454014-G-A. GRCh37 (hg19) VCF-style: chr2-27676881-G-A.
Other names: c.3613C>T, p.Gln1205Ter (NM_001410739.1); short protein forms Q1205*, Q1227*.
Identifiers: ClinVar variation 3353744 (VCV003353744.1).

ClinVar aggregate classification (germline): Likely pathogenic (0 of 4 stars; one submission).

Conditions:
IFT172-related disorder. Also called: IFT172-related disorders; IFT172-related condition.

Submission:

PreventionGenetics, part of Exact Sciences
Classification: Likely pathogenic for IFT172-related condition. Last evaluated: 2024-08-12. Review status: no assertion criteria provided. Collection method: clinical testing. Allele origin: germline.
Comment: The IFT172 c.3679C>T variant is predicted to result in premature protein termination (p.Gln1227*). To our knowledge, this variant has not been reported in the literature or in a large population database, indicating this variant is rare. Nonsense variants in IFT172 are expected to be pathogenic. This variant is interpreted as likely pathogenic.